The following is an entry in ClinVar:

NM_000260.4(MYO7A):c.6052-2A>G

Gene: MYO7A (myosin VIIA; plus strand). Cytogenetic location: 11q13.5.
Variant type: single nucleotide variant.
Coding change: c.6052-2A>G on transcript NM_000260.4 (MANE Select); the canonical splice acceptor site of the intron before coding-DNA position 6052, A replaced by G.
Molecular consequence: splice acceptor variant.
Genome position (GRCh38, 1-based): chr11:77,211,150, A>G. VCF-style: chr11-77211150-A-G. GRCh37 (hg19) VCF-style: chr11-76922195-A-G.
Other names: c.5905-2A>G (NM_001369365.1); c.5938-2A>G (NM_001127180.2).
Identifiers: ClinVar variation 2780223 (VCV002780223.3), dbSNP rs2497797848, ClinGen allele CA381935397.

ClinVar aggregate classification (germline): Likely pathogenic (1 of 4 stars; one submission).

Submission:

Labcorp Genetics (formerly Invitae), Labcorp
Classification: Likely pathogenic. Last evaluated: 2024-01-09. Review status: criteria provided, single submitter. Criteria: Invitae Variant Classification Sherloc (09022015). Collection method: clinical testing. Allele origin: germline.
Comment: This sequence change affects an acceptor splice site in intron 44 of the MYO7A gene. It is expected to disrupt RNA splicing. Variants that disrupt the donor or acceptor splice site typically lead to a loss of protein function (PMID: 16199547), and loss-of-function variants in MYO7A are known to be pathogenic (PMID: 8900236, 25404053). This variant is not present in population databases (gnomAD no frequency). Disruption of this splice site has been observed in individual(s) with Usher Syndrome (PMID: 33576163). Algorithms developed to predict the effect of sequence changes on RNA splicing suggest that this variant may disrupt the consensus splice site. In summary, the currently available evidence indicates that the variant is pathogenic, but additional data are needed to prove that conclusively. Therefore, this variant has been classified as Likely Pathogenic.

Literature cited by the submitters: PubMed 16199547; PubMed 8900236; PubMed 25404053; PubMed 33576163.